The following is an entry in ClinVar:

ClinVar aggregate classification (germline): Conflicting classifications of pathogenicity. Review status: criteria provided, conflicting classifications (1 of 4 stars). 9 submissions from 5 submitters: Uncertain significance (4); Benign (1); Likely benign (4). Last evaluated 2026-02-15.

Conditions:
TTN-related disorder. Also called: TTN-related condition; TTN-related disease; TTN-related disorders.
Autosomal recessive limb-girdle muscular dystrophy type 2J (LGMDR10). Also called: MUSCULAR DYSTROPHY, LIMB-GIRDLE, AUTOSOMAL RECESSIVE 10; Limb-girdle muscular dystrophy, type 2J. Identifiers: Orphanet 140922, MedGen C1837342, MONDO:0012127, OMIM 608807.
Dilated cardiomyopathy 1G (CMD1G). Identifiers: Orphanet 154, MedGen C1858763, MONDO:0011400, OMIM 604145.
Myopathy, myofibrillar, 9, with early respiratory failure (MFM9). Also called: Myopathy, distal, with early respiratory failure, autosomal dominant; EDSTROM MYOPATHY; MYOPATHY, PROXIMAL, WITH EARLY RESPIRATORY MUSCLE INVOLVEMENT; Hereditary myopathy with early respiratory failure. Identifiers: Orphanet 178464, Orphanet 34521, MedGen C1863599, MONDO:0011362, OMIM 603689.
Early-onset myopathy with fatal cardiomyopathy (CMYO5). Also called: CONGENITAL MYOPATHY 5 WITH CARDIOMYOPATHY; Salih Myopathy. Identifiers: Orphanet 289377, MedGen C2673677, MONDO:0012714, OMIM 611705. Disease mechanism: loss of function.
Tibial muscular dystrophy (TMD). Also called: Tibial muscular dystrophy, tardive; UDD MYOPATHY; Udd Distal Myopathy – Tibial Muscular Dystrophy. Identifiers: Orphanet 609, MedGen C1838244, MONDO:0010870, OMIM 600334.

Allele frequency attached by ClinVar (database versions not stated): gnomAD exomes 0.00004 and 0.00008; gnomAD 0.00005; TOPMed 0.00006; ExAC 0.00007; ESP Exome Variant Server 0.00017.
gnomAD v4.1: 73 of 1,613,170 alleles (0.0045%); highest among the groups gnomAD compares: Admixed American, 0.0017%; no homozygotes.

Submissions (9):

PreventionGenetics, part of Exact Sciences
Classification: Likely benign for TTN-related condition. Last evaluated: 2026-02-15. Review status: criteria provided, single submitter. Criteria: ACMG Guidelines, 2015. Collection method: clinical testing. Allele origin: germline.
Comment: This variant is classified as likely benign based on ACMG/AMP sequence variant interpretation guidelines (Richards et al. 2015 PMID: 25741868, with internal and published modifications).

Labcorp Genetics (formerly Invitae), Labcorp
Classification: Likely benign for Dilated cardiomyopathy 1G; Autosomal recessive limb-girdle muscular dystrophy type 2J. Last evaluated: 2026-02-03. Review status: criteria provided, single submitter. Criteria: Invitae Variant Classification Sherloc (09022015). Collection method: clinical testing. Allele origin: germline.

GeneDx
Classification: Likely benign. Last evaluated: 2020-11-27. Review status: criteria provided, single submitter. Criteria: GeneDx Variant Classification Process June 2021. Collection method: clinical testing. Allele origin: germline. Affected: yes.

Illumina Laboratory Services, Illumina
Classification: Benign for Tibial muscular dystrophy. Last evaluated: 2018-01-13. Review status: criteria provided, single submitter. Criteria: ICSL Variant Classification Criteria 13 December 2019. Collection method: clinical testing. Allele origin: germline.
Comment: This variant was observed in the ICSL laboratory as part of a predisposition screen in an ostensibly healthy population. It had not been previously curated by ICSL or reported in the Human Gene Mutation Database (HGMD: prior to June 1st, 2018), and was therefore a candidate for classification through an automated scoring system. Utilizing variant allele frequency, disease prevalence and penetrance estimates, and inheritance mode, an automated score was calculated to assess if this variant is too frequent to cause the disease. Based on the score and internal cut-off values, a variant classified as benign is not then subjected to further curation. The score for this variant resulted in a classification of benign for this disease.

Illumina Laboratory Services, Illumina
Classification: Uncertain significance for Dilated cardiomyopathy 1G. Last evaluated: 2018-01-13. Review status: criteria provided, single submitter. Criteria: ICSL Variant Classification Criteria 13 December 2019. Collection method: clinical testing. Allele origin: germline.

Illumina Laboratory Services, Illumina
Classification: Likely benign for Myopathy, myofibrillar, 9, with early respiratory failure. Last evaluated: 2018-01-13. Review status: criteria provided, single submitter. Criteria: ICSL Variant Classification Criteria 13 December 2019. Collection method: clinical testing. Allele origin: germline.
Comment: This variant was observed in the ICSL laboratory as part of a predisposition screen in an ostensibly healthy population. It had not been previously curated by ICSL or reported in the Human Gene Mutation Database (HGMD: prior to June 1st, 2018), and was therefore a candidate for classification through an automated scoring system. Utilizing variant allele frequency, disease prevalence and penetrance estimates, and inheritance mode, an automated score was calculated to assess if this variant is too frequent to cause the disease. Based on the score and internal cut-off values, a variant classified as likely benign is not then subjected to further curation. The score for this variant resulted in a classification of likely benign for this disease.

Illumina Laboratory Services, Illumina
Classification: Uncertain significance for Autosomal recessive limb-girdle muscular dystrophy type 2J. Last evaluated: 2018-01-13. Review status: criteria provided, single submitter. Criteria: ICSL Variant Classification Criteria 13 December 2019. Collection method: clinical testing. Allele origin: germline.

Illumina Laboratory Services, Illumina
Classification: Uncertain significance for Early-onset myopathy with fatal cardiomyopathy. Last evaluated: 2018-01-13. Review status: criteria provided, single submitter. Criteria: ICSL Variant Classification Criteria 13 December 2019. Collection method: clinical testing. Allele origin: germline.

Eurofins Ntd Llc (ga)
Classification: Uncertain significance. Last evaluated: 2015-08-19. Review status: criteria provided, single submitter. Criteria: EGL Classification Definitions 2015. Collection method: clinical testing. Allele origin: germline. Observed: 1 variant allele, 1 heterozygote.

NM_001267550.2(TTN):c.58841T>C (p.Ile19614Thr)

Genes: TTN (titin; minus strand), TTN-AS1 (TTN antisense RNA 1; plus strand). Cytogenetic location: 2q31.2.
Variant type: single nucleotide variant.
Coding change: c.58841T>C on transcript NM_001267550.2 (MANE Select); coding-DNA position 58841, T replaced by C.
Protein change: p.Ile19614Thr; replaces isoleucine 19614 with threonine.
Molecular consequence: missense variant.
Genome position (GRCh38, 1-based): chr2:178,593,367, A>G on the plus strand (T>C on the coding strand, the complement: TTN is on the minus strand). VCF-style: chr2-178593367-A-G. GRCh37 (hg19) VCF-style: chr2-179458094-A-G.
Other names: c.53918T>C, p.Ile17973Thr (NM_001256850.1); c.31646T>C, p.Ile10549Thr (NM_003319.4); c.51137T>C, p.Ile17046Thr (NM_133378.4); c.32021T>C, p.Ile10674Thr (NM_133432.3); c.32222T>C, p.Ile10741Thr (NM_133437.4); short protein forms I17046T, I19614T, I10741T, I17973T, I10549T, I10674T.
Identifiers: ClinVar variation 282662 (VCV000282662.22), dbSNP rs199933004, ClinGen allele CA1992767.
Genomic context (GRCh38, chr2:178,593,367, plus strand): 5'-TGAATAGGATCTTTGGTAACTCTAGCCCATCGTTTAGACATAGTTTCTCTCTTTTCCAGG[A>G]TGTAGTTTGTGATGGGTTTTCCTCCATCATGTGGCTTATTCCAGGTTACTAATGCAGAGT-3'
Protein context (NP_001254479.2, residues 19604-19624): HDGGKPITNY[Ile19614Thr]LEKRETMSKR